The following is an entry in ClinVar:

ClinVar aggregate classification (germline): Likely pathogenic (1 of 4 stars; one submission).

Submission:

CeGaT Center for Human Genetics Tuebingen
Classification: Likely pathogenic. Last evaluated: 2025-10-01. Review status: criteria provided, single submitter. Criteria: CeGaT Center For Human Genetics Tuebingen Variant Classification Criteria Version 2. Collection method: clinical testing. Allele origin: germline. Affected: yes. Observed: 2 variant alleles.
Comment: CHD2: PM2, PS2:Moderate, PP2, PP3

NM_001271.4(CHD2):c.1463A>G (p.Gln488Arg)

Gene: CHD2 (chromodomain helicase DNA binding protein 2; plus strand). Cytogenetic location: 15q26.1.
Variant type: single nucleotide variant.
Coding change: c.1463A>G on transcript NM_001271.4 (MANE Select); coding-DNA position 1463, A replaced by G.
Protein change: p.Gln488Arg; replaces glutamine 488 with arginine.
Molecular consequence: missense variant.
Genome position (GRCh38, 1-based): chr15:92,949,037, A>G. VCF-style: chr15-92949037-A-G. GRCh37 (hg19) VCF-style: chr15-93492267-A-G.
Other names: c.1463A>G, p.Gln488Arg (NM_001042572.3); short protein forms Q488R.
Identifiers: ClinVar variation 4281437 (VCV004281437.7).
Genomic context (GRCh38, chr15:92,949,037, plus strand): 5'-TAGCTTTAAAGAAACAACCTGCATATTTAGGAGGGGAGAATCTGGAACTTCGAGATTATC[A>G]GCTAGAAGGTCTAAACTGGCTAGCTCATTCCTGGTGCAAGTAGGTAGAAAAATATGAGTG-3'
Protein context (NP_001262.3, residues 478-498): GGENLELRDY[Gln488Arg]LEGLNWLAHS